The following is an entry in ClinVar:

ClinVar aggregate classification (germline): Pathogenic (1 of 4 stars; one submission).

Conditions:
Haddad syndrome (OHD). Also called: Ondine-Hirschsprung disease. Identifiers: Orphanet 99803, MedGen C1859049, MONDO:0020493.

Submission:

Labcorp Genetics (formerly Invitae), Labcorp
Classification: Pathogenic for Haddad syndrome. Last evaluated: 2023-04-27. Review status: criteria provided, single submitter. Criteria: Invitae Variant Classification Sherloc (09022015). Collection method: clinical testing. Allele origin: germline.
Comment: This sequence change creates a premature translational stop signal (p.Cys65*) in the PHOX2B gene. It is expected to result in an absent or disrupted protein product. Loss-of-function variants in PHOX2B are known to be pathogenic (PMID: 25156769). This variant is not present in population databases (gnomAD no frequency). This variant has not been reported in the literature in individuals affected with PHOX2B-related conditions. For these reasons, this variant has been classified as Pathogenic.

Literature cited by the submitters: PubMed 25156769.

NM_003924.4(PHOX2B):c.195C>A (p.Cys65Ter)

Genes: PHOX2B (paired like homeobox 2B; minus strand), PHOX2B-AS1 (PHOX2B antisense RNA 1; plus strand). Cytogenetic location: 4p13.
Variant type: single nucleotide variant.
Coding change: c.195C>A on transcript NM_003924.4 (MANE Select); coding-DNA position 195, C replaced by A.
Protein change: p.Cys65Ter; replaces cysteine 65 with a stop codon.
Molecular consequence: nonsense. On other transcripts: non-coding transcript variant (1).
Genome position (GRCh38, 1-based): chr4:41,748,416, G>T on the plus strand (C>A on the coding strand, the complement: PHOX2B is on the minus strand). VCF-style: chr4-41748416-G-T. GRCh37 (hg19) VCF-style: chr4-41750433-G-T.
Other names: short protein forms C65*.
Identifiers: ClinVar variation 2851099 (VCV002851099.3), dbSNP rs2552097168, ClinGen allele CA356740879.